The following is an entry in ClinVar:

NM_005502.4(ABCA1):c.5060T>A (p.Leu1687Gln)

Gene: ABCA1 (ATP binding cassette subfamily A member 1; minus strand). Cytogenetic location: 9q31.1.
Variant type: single nucleotide variant.
Coding change: c.5060T>A on transcript NM_005502.4 (MANE Select); coding-DNA position 5060, T replaced by A.
Protein change: p.Leu1687Gln; replaces leucine 1687 with glutamine.
Molecular consequence: missense variant.
Genome position (GRCh38, 1-based): chr9:104,798,482, A>T on the plus strand (T>A on the coding strand, the complement: ABCA1 is on the minus strand). VCF-style: chr9-104798482-A-T. GRCh37 (hg19) VCF-style: chr9-107560763-A-T.
Other names: short protein forms L1687Q.
Identifiers: ClinVar variation 1713399 (VCV001713399.5), dbSNP rs2538068957, ClinGen allele CA374314044.

ClinVar aggregate classification (germline): Uncertain significance (1 of 4 stars; one submission).

Submission:

Labcorp Genetics (formerly Invitae), Labcorp
Classification: Uncertain significance. Last evaluated: 2022-07-23. Review status: criteria provided, single submitter. Criteria: Invitae Variant Classification Sherloc (09022015). Collection method: clinical testing. Allele origin: germline.
Comment: This sequence change replaces leucine, which is neutral and non-polar, with glutamine, which is neutral and polar, at codon 1687 of the ABCA1 protein (p.Leu1687Gln). In summary, the available evidence is currently insufficient to determine the role of this variant in disease. Therefore, it has been classified as a Variant of Uncertain Significance. Advanced modeling of protein sequence and biophysical properties (such as structural, functional, and spatial information, amino acid conservation, physicochemical variation, residue mobility, and thermodynamic stability) performed at Invitae indicates that this missense variant is expected to disrupt ABCA1 protein function. This variant has not been reported in the literature in individuals affected with ABCA1-related conditions. This variant is not present in population databases (gnomAD no frequency).